The following is an entry in ClinVar:

ClinVar aggregate classification (germline): Uncertain significance (1 of 4 stars; one submission).

gnomAD v4.1: 1 of 1,593,810 alleles (0.000063%); highest among the groups gnomAD compares: East Asian, 0.0023%; no homozygotes.

Submission:

Ambry Genetics
Classification: Uncertain significance. Last evaluated: 2024-02-02. Review status: criteria provided, single submitter. Criteria: Ambry Variant Classification Scheme 2023. Collection method: clinical testing. Allele origin: germline.
Comment: The p.S7P variant (also known as c.19T>C), located in coding exon 1 of the FAM175A gene, results from a T to C substitution at nucleotide position 19. The serine at codon 7 is replaced by proline, an amino acid with similar properties. This amino acid position is conserved. In addition, this alteration is predicted to be tolerated by in silico analysis. Based on the available evidence, the clinical significance of this alteration remains unclear.

NM_139076.3(ABRAXAS1):c.19T>C (p.Ser7Pro)

Genes: ABRAXAS1 (abraxas 1, BRCA1 A complex subunit; minus strand), LOC129992784 (ATAC-STARR-seq lymphoblastoid silent region 15542; plus strand). Cytogenetic location: 4q21.23.
Variant type: single nucleotide variant.
Coding change: c.19T>C on transcript NM_139076.3 (MANE Select); coding-DNA position 19, T replaced by C.
Protein change: p.Ser7Pro; replaces serine 7 with proline.
Molecular consequence: missense variant. On other transcripts: 5 prime UTR variant (1).
Genome position (GRCh38, 1-based): chr4:83,485,054, A>G on the plus strand (T>C on the coding strand, the complement: ABRAXAS1 is on the minus strand). VCF-style: chr4-83485054-A-G. GRCh37 (hg19) VCF-style: chr4-84406207-A-G.
Other names: c.-242T>C (NM_001345962.2); short protein forms S7P.
Identifiers: ClinVar variation 3229141 (VCV003229141.1), dbSNP rs765428717, ClinGen allele CA357264081.